The following is an entry in ClinVar:

NM_144508.5(KNL1):c.743C>T (p.Pro248Leu)

Gene: KNL1 (kinetochore scaffold 1; plus strand). Cytogenetic location: 15q15.1.
Variant type: single nucleotide variant.
Coding change: c.743C>T on transcript NM_144508.5 (MANE Select); coding-DNA position 743, C replaced by T.
Protein change: p.Pro248Leu; replaces proline 248 with leucine.
Molecular consequence: missense variant.
Genome position (GRCh38, 1-based): chr15:40,621,007, C>T. VCF-style: chr15-40621007-C-T. GRCh37 (hg19) VCF-style: chr15-40913205-C-T.
Other names: c.821C>T, p.Pro274Leu (NM_170589.5); short protein forms P248L, P274L.
Identifiers: ClinVar variation 2645176 (VCV002645176.24), dbSNP rs575811660, ClinGen allele CA7482562.

ClinVar aggregate classification (germline): Likely benign (1 of 4 stars; one submission).

Allele frequency attached by ClinVar (database versions not stated): ExAC 0.00003; gnomAD 0.00003; TOPMed 0.00006.

Submission:

CeGaT Center for Human Genetics Tuebingen
Classification: Likely benign. Last evaluated: 2022-09-01. Review status: criteria provided, single submitter. Criteria: CeGaT Center For Human Genetics Tuebingen Variant Classification Criteria Version 2. Collection method: clinical testing. Allele origin: germline. Affected: yes. Observed: 1 variant allele.
Comment: KNL1: BP4